The following is an entry in ClinVar:

ClinVar aggregate classification (germline): Uncertain significance (1 of 4 stars; one submission).

Conditions:
Psoriasis 2. Identifiers: MedGen C1864497, MONDO:0011269, OMIM 602723.
Pityriasis rubra pilaris (PRP). Also called: Pityriasis rubra pilaris--familial type. Identifiers: Orphanet 2897, MedGen C0032027, MONDO:0100017, OMIM 173200, MONDO:0008251.

Submission:

Labcorp Genetics (formerly Invitae), Labcorp
Classification: Uncertain significance for Pityriasis rubra pilaris; Psoriasis 2. Last evaluated: 2024-02-05. Review status: criteria provided, single submitter. Criteria: Invitae Variant Classification Sherloc (09022015). Collection method: clinical testing. Allele origin: germline.
Comment: This sequence change replaces valine, which is neutral and non-polar, with alanine, which is neutral and non-polar, at codon 598 of the CARD14 protein (p.Val598Ala). This variant is not present in population databases (gnomAD no frequency). This variant has not been reported in the literature in individuals affected with CARD14-related conditions. Advanced modeling of protein sequence and biophysical properties (such as structural, functional, and spatial information, amino acid conservation, physicochemical variation, residue mobility, and thermodynamic stability) performed at Invitae indicates that this missense variant is expected to disrupt CARD14 protein function with a positive predictive value of 80%. In summary, the available evidence is currently insufficient to determine the role of this variant in disease. Therefore, it has been classified as a Variant of Uncertain Significance.

NM_001366385.1(CARD14):c.1793T>C (p.Val598Ala)

Gene: CARD14 (caspase recruitment domain family member 14; plus strand). Cytogenetic location: 17q25.3.
Variant type: single nucleotide variant.
Coding change: c.1793T>C on transcript NM_001366385.1 (MANE Select); coding-DNA position 1793, T replaced by C.
Protein change: p.Val598Ala; replaces valine 598 with alanine.
Molecular consequence: missense variant. On other transcripts: non-coding transcript variant (1).
Genome position (GRCh38, 1-based): chr17:80,198,533, T>C. VCF-style: chr17-80198533-T-C. GRCh37 (hg19) VCF-style: chr17-78172332-T-C.
Other names: c.1793T>C, p.Val598Ala (NM_001257970.1, NM_024110.4); c.1082T>C, p.Val361Ala (NM_052819.3); short protein forms V361A, V598A.
Identifiers: ClinVar variation 2951120 (VCV002951120.3), dbSNP rs2510682257, ClinGen allele CA401351299.
Genomic context (GRCh38, chr17:80,198,533, plus strand): 5'-CATTGCTGGAGCAGATCAGCGTCATCGGCGGGAACCTCACGGGCATCTTCATCCACCGGG[T>C]CACCCCGGGCTCGGCGGCGGACCAGATGGCCTTGCGCCCGGGCACCCAGATTGTGATGGT-3'
Protein context (NP_001353314.1, residues 588-608): GNLTGIFIHR[Val598Ala]TPGSAADQMA